The following is an entry in ClinVar:

ClinVar aggregate classification (germline): Benign (0 of 4 stars; one submission).

Conditions:
KCNQ1-related disorder. Also called: KCNQ1-related condition; KCNQ1-related disorders. Identifiers: MedGen CN239322.

Allele frequency attached by ClinVar (database versions not stated): TOPMed 0.85036; 1000 Genomes Project 30x 0.86165; 1000 Genomes Project 0.86522; gnomAD exomes 0.89996.
gnomAD v4.1: 351,851 of 398,524 alleles (88%); highest among the groups gnomAD compares: East Asian, 99%; 156,155 homozygotes.

Submission:

PreventionGenetics, part of Exact Sciences
Classification: Benign for KCNQ1-related condition. Last evaluated: 2019-08-12. Review status: no assertion criteria provided. Collection method: clinical testing. Allele origin: germline.
Comment: This variant is classified as benign based on ACMG/AMP sequence variant interpretation guidelines (Richards et al. 2015 PMID: 25741868, with internal and published modifications).

NM_000218.3(KCNQ1):c.1393+36433G>T

Genes: KCNQ1 (potassium voltage-gated channel subfamily Q member 1; plus strand), KCNQ1OT1 (KCNQ1 opposite strand/antisense transcript 1; minus strand). Cytogenetic location: 11p15.5.
Variant type: single nucleotide variant.
Coding change: c.1393+36433G>T on transcript NM_000218.3 (MANE Select); 36433 bases into the intron after coding-DNA position 1393, G replaced by T.
Molecular consequence: intron variant. On other transcripts: non-coding transcript variant (1).
Genome position (GRCh38, 1-based): chr11:2,625,287, G>T. VCF-style: chr11-2625287-G-T. GRCh37 (hg19) VCF-style: chr11-2646517-G-T.
Other names: c.1123+36433G>T (NM_001406837.1); c.1297+36433G>T (NM_001406836.1); c.853+36433G>T (NM_001406838.1); c.1012+36433G>T (NM_181798.2).
Identifiers: ClinVar variation 3058892 (VCV003058892.2), dbSNP rs7129523, ClinGen allele CA216364199.
Genomic context (GRCh38, chr11:2,625,287, plus strand): 5'-CCTTCCAGCAGTGGTTATTTTCTGTTTATGTGGGATTTTTTTGAGACAAGATCTGGCTCT[G>T]TCACTTAGGCTGGAATGCAGTGGCATGATCATGGCACACTGCAGCCTCAACCTAGACCTC-3'